The following is an entry in ClinVar:

ClinVar aggregate classification (germline): Pathogenic (1 of 4 stars; one submission).

Submission:

Labcorp Genetics (formerly Invitae), Labcorp
Classification: Pathogenic. Last evaluated: 2023-04-18. Review status: criteria provided, single submitter. Criteria: Invitae Variant Classification Sherloc (09022015). Collection method: clinical testing. Allele origin: germline.
Comment: For these reasons, this variant has been classified as Pathogenic. This variant has not been reported in the literature in individuals affected with CHM-related conditions. This variant is not present in population databases (gnomAD no frequency). This sequence change creates a premature translational stop signal (p.Thr300Asnfs*7) in the CHM gene. It is expected to result in an absent or disrupted protein product. Loss-of-function variants in CHM are known to be pathogenic (PMID: 9067750, 23811034).

Literature cited by the submitters: PubMed 9067750; PubMed 23811034.

NM_000390.4(CHM):c.898dup (p.Thr300fs)

Gene: CHM (CHM Rab escort protein; minus strand). Cytogenetic location: Xq21.2.
Variant type: Duplication.
Coding change: c.898dup on transcript NM_000390.4 (MANE Select); coding-DNA position 898, one base duplicated (A; older notation c.898dupA).
Protein change: p.Thr300fs; shifts the reading frame from threonine 300.
Molecular consequence: frameshift variant.
Genome position (GRCh38, 1-based): chrX:85,957,897, T duplicated on the plus strand (A on the coding strand, the reverse complement: CHM is on the minus strand). VCF-style (leftmost placement, unchanged base first): chrX-85957896-G-GT. GRCh37 (hg19) VCF-style: chrX-85212901-G-GT.
Other names: c.454dup, p.Thr152fs (NM_001320959.1, NM_001362517.1, NM_001362518.2 and 1 more transcripts); short protein forms T152fs, T300fs.
Identifiers: ClinVar variation 2855279 (VCV002855279.3), dbSNP rs2520257673, ClinGen allele CA2739273628.